The following is an entry in ClinVar:

ClinVar aggregate classification (germline): Pathogenic. Review status: criteria provided, multiple submitters, no conflicts (2 of 4 stars). 2 submissions from 2 submitters: Pathogenic (2). Last evaluated 2024-11-21.

Conditions:
GPSM2-related disorder. Also called: GPSM2-related disorders; GPSM2-related condition.

Allele frequency attached by ClinVar (database versions not stated): ExAC 0.00001; gnomAD exomes 0.00001 and 0.00002; TOPMed 0.00001; ESP Exome Variant Server 0.00008.
gnomAD v4.1: 30 of 1,599,602 alleles (0.0019%); highest among the groups gnomAD compares: Non-Finnish European, 0.0022%; no homozygotes.

Submissions (2):

GeneDx
Classification: Pathogenic. Last evaluated: 2024-11-21. Review status: criteria provided, single submitter. Criteria: GeneDx Variant Classification Process June 2021. Collection method: clinical testing. Allele origin: germline. Affected: yes.
Comment: Nonsense variant predicted to result in protein truncation or nonsense mediated decay in a gene for which loss-of-function is a known mechanism of disease; Not observed at significant frequency in large population cohorts (gnomAD); This variant is associated with the following publications: (PMID: 31618753, 27064331)

Blueprint Genetics
Classification: Pathogenic for GPSM2-related disorders. Last evaluated: 2024-09-20. Review status: criteria provided, single submitter. Criteria: ACMG Guidelines, 2015. Collection method: clinical testing. Allele origin: germline. Affected: yes. Observed: 2 variant alleles.

NM_013296.5(GPSM2):c.1093C>T (p.Arg365Ter)

Gene: GPSM2 (G protein signaling modulator 2; plus strand). Cytogenetic location: 1p13.3.
Variant type: single nucleotide variant.
Coding change: c.1093C>T on transcript NM_013296.5 (MANE Select); coding-DNA position 1093, C replaced by T.
Protein change: p.Arg365Ter; replaces arginine 365 with a stop codon.
Molecular consequence: nonsense.
Genome position (GRCh38, 1-based): chr1:108,904,155, C>T. VCF-style: chr1-108904155-C-T. GRCh37 (hg19) VCF-style: chr1-109446777-C-T.
Other names: c.1093C>T, p.Arg365Ter (NM_001321038.2, NM_001321039.3); short protein forms R365*.
Identifiers: ClinVar variation 419261 (VCV000419261.5), dbSNP rs367682612, ClinGen allele CA982969.
Genomic context (GRCh38, chr1:108,904,155, plus strand): 5'-TACTCTAAAATATAAATGTTTGTGTTGTAGGTTGGGGATAAAAGTGGTGAACTAACAGCA[C>T]GACTTAATCTCTCAGACCTTCAAATGGTTCTTGGTCTGAGCTACAGCACAAATAACTCCA-3'